The following is an entry in ClinVar:

NM_020988.3(GNAO1):c.809A>G (p.Asn270Ser)

Gene: GNAO1 (G protein subunit alpha o1; plus strand). Cytogenetic location: 16q13.
Variant type: single nucleotide variant.
Coding change: c.809A>G on transcript NM_020988.3 (MANE Select); coding-DNA position 809, A replaced by G.
Protein change: p.Asn270Ser; replaces asparagine 270 with serine.
Molecular consequence: missense variant.
Genome position (GRCh38, 1-based): chr16:56,351,469, A>G. VCF-style: chr16-56351469-A-G. GRCh37 (hg19) VCF-style: chr16-56385381-A-G.
Other names: short protein forms N270S.
Identifiers: ClinVar variation 4890734 (VCV004890734.1).

ClinVar aggregate classification (germline): Likely pathogenic (1 of 4 stars; one submission).

Conditions:
Neurodevelopmental disorder with involuntary movements (NEDIM). Identifiers: Orphanet 592564, MedGen C4479569, MONDO:0060491, OMIM 617493.

Submission:

Institute of Human Genetics, University of Leipzig Medical Center
Classification: Likely pathogenic for Neurodevelopmental disorder with involuntary movements. Last evaluated: 2026-08-31. Review status: criteria provided, single submitter. Criteria: ACMG Guidelines, 2015. Collection method: clinical testing. Allele origin: unknown. Inheritance: Autosomal dominant inheritance. Affected: yes.
Comment: Criteria applied: PM5_STR,PM2,PP2,PP3